The following is an entry in ClinVar:

NM_000215.4(JAK3):c.2348C>T (p.Ser783Leu)

Gene: JAK3 (Janus kinase 3; minus strand). Cytogenetic location: 19p13.11.
Variant type: single nucleotide variant.
Coding change: c.2348C>T on transcript NM_000215.4 (MANE Select); coding-DNA position 2348, C replaced by T.
Protein change: p.Ser783Leu; replaces serine 783 with leucine.
Molecular consequence: missense variant.
Genome position (GRCh38, 1-based): chr19:17,834,573, G>A on the plus strand (C>T on the coding strand, the complement: JAK3 is on the minus strand). VCF-style: chr19-17834573-G-A. GRCh37 (hg19) VCF-style: chr19-17945382-G-A.
Other names: short protein forms S783L.
Identifiers: ClinVar variation 1954391 (VCV001954391.3), dbSNP rs912810655, ClinGen allele CA306129440.

ClinVar aggregate classification (germline): Uncertain significance (1 of 4 stars; one submission).

Conditions:
T-B+ severe combined immunodeficiency due to JAK3 deficiency. Also called: SCID, T CELL-NEGATIVE, B CELL-POSITIVE, NK CELL-NEGATIVE; SCID, autosomal recessive, T-negative/B-positive type. Identifiers: Orphanet 35078, MedGen C1833275, MONDO:0010938, OMIM 600802.

Allele frequency attached by ClinVar (database versions not stated): gnomAD exomes below 0.00001; gnomAD 0.00001; TOPMed 0.00001.
gnomAD v4.1: 4 of 1,613,392 alleles (0.00025%); highest among the groups gnomAD compares: Admixed American, 0.0017%; no homozygotes.

Submission:

Labcorp Genetics (formerly Invitae), Labcorp
Classification: Uncertain significance for T-B+ severe combined immunodeficiency due to JAK3 deficiency. Last evaluated: 2022-08-01. Review status: criteria provided, single submitter. Criteria: Invitae Variant Classification Sherloc (09022015). Collection method: clinical testing. Allele origin: germline.
Comment: In summary, the available evidence is currently insufficient to determine the role of this variant in disease. Therefore, it has been classified as a Variant of Uncertain Significance. Algorithms developed to predict the effect of missense changes on protein structure and function are either unavailable or do not agree on the potential impact of this missense change (SIFT: "Tolerated"; PolyPhen-2: "Possibly Damaging"; Align-GVGD: "Class C0"). This variant has not been reported in the literature in individuals affected with JAK3-related conditions. This variant is present in population databases (no rsID available, gnomAD 0.0009%). This sequence change replaces serine, which is neutral and polar, with leucine, which is neutral and non-polar, at codon 783 of the JAK3 protein (p.Ser783Leu).